The following is an entry in ClinVar:

NM_000553.6(WRN):c.2332C>T (p.Gln778Ter)

Gene: WRN (WRN RecQ like helicase; plus strand). Cytogenetic location: 8p12.
Variant type: single nucleotide variant.
Coding change: c.2332C>T on transcript NM_000553.6 (MANE Select); coding-DNA position 2332, C replaced by T.
Protein change: p.Gln778Ter; replaces glutamine 778 with a stop codon.
Molecular consequence: nonsense.
Genome position (GRCh38, 1-based): chr8:31,116,412, C>T. VCF-style: chr8-31116412-C-T. GRCh37 (hg19) VCF-style: chr8-30973928-C-T.
Other names: short protein forms Q778*.
Identifiers: ClinVar variation 528157 (VCV000528157.5), dbSNP rs1554527775, ClinGen allele CA370913548.

ClinVar aggregate classification (germline): Pathogenic (1 of 4 stars; one submission).

Conditions:
Werner syndrome (WRN). Identifiers: Orphanet 902, MedGen C0043119, MONDO:0010196, OMIM 277700.

Submission:

Labcorp Genetics (formerly Invitae), Labcorp
Classification: Pathogenic for Werner syndrome. Last evaluated: 2020-12-09. Review status: criteria provided, single submitter. Criteria: Invitae Variant Classification Sherloc (09022015). Collection method: clinical testing. Allele origin: germline.
Comment: For these reasons, this variant has been classified as Pathogenic. Loss-of-function variants in WRN are known to be pathogenic (PMID: 16673358). This variant has not been reported in the literature in individuals with WRN-related disease. This variant is not present in population databases (ExAC no frequency). This sequence change creates a premature translational stop signal (p.Gln778*) in the WRN gene. It is expected to result in an absent or disrupted protein product.

Literature cited by the submitters: PubMed 16673358.